The following is an entry in ClinVar:

ClinVar aggregate classification (germline): Uncertain significance (1 of 4 stars; one submission).

Conditions:
Developmental and epileptic encephalopathy, 37 (DEE37). Also called: Epileptic encephalopathy, early infantile, 37. Identifiers: MedGen C4310770, MONDO:0014859, OMIM 616981.

Allele frequency attached by ClinVar (database versions not stated): gnomAD exomes below 0.00001; gnomAD 0.00001.
gnomAD v4.1: 2 of 1,162,590 alleles (0.00017%); highest among the groups gnomAD compares: African/African-American, 0.0033%; no homozygotes.

Submission:

Labcorp Genetics (formerly Invitae), Labcorp
Classification: Uncertain significance for Developmental and epileptic encephalopathy, 37. Last evaluated: 2024-05-29. Review status: criteria provided, single submitter. Criteria: Invitae Variant Classification Sherloc (09022015). Collection method: clinical testing. Allele origin: germline.
Comment: This sequence change replaces proline, which is neutral and non-polar, with leucine, which is neutral and non-polar, at codon 55 of the FRRS1L protein (p.Pro55Leu). This variant is present in population databases (no rsID available, gnomAD 0.01%). This variant has not been reported in the literature in individuals affected with FRRS1L-related conditions. ClinVar contains an entry for this variant (Variation ID: 1061416). Algorithms developed to predict the effect of missense changes on protein structure and function output the following: SIFT: "Not Available"; PolyPhen-2: "Possibly Damaging"; Align-GVGD: "Not Available". The leucine amino acid residue is found in multiple mammalian species, which suggests that this missense change does not adversely affect protein function. In summary, the available evidence is currently insufficient to determine the role of this variant in disease. Therefore, it has been classified as a Variant of Uncertain Significance.

NM_014334.4(FRRS1L):c.11C>T (p.Pro4Leu)

Gene: FRRS1L (ferric chelate reductase 1 like; minus strand). Cytogenetic location: 9q31.3.
Variant type: single nucleotide variant.
Coding change: c.11C>T on transcript NM_014334.4 (MANE Select); coding-DNA position 11, C replaced by T.
Protein change: p.Pro4Leu; replaces proline 4 with leucine.
Molecular consequence: missense variant.
Genome position (GRCh38, 1-based): chr9:109,167,128, G>A on the plus strand (C>T on the coding strand, the complement: FRRS1L is on the minus strand). VCF-style: chr9-109167128-G-A. GRCh37 (hg19) VCF-style: chr9-111929408-G-A.
Other names: short protein forms P4L.
Identifiers: ClinVar variation 1061416 (VCV001061416.9), dbSNP rs1242524393, ClinGen allele CA374430679.